The following is an entry in ClinVar:

ClinVar aggregate classification (germline): Conflicting classifications of pathogenicity. Review status: criteria provided, conflicting classifications (1 of 4 stars). 3 submissions from 3 submitters: Uncertain significance (1); Likely benign (2). Last evaluated 2026-01-13.

Conditions:
Kufor-Rakeb syndrome (KRS). Also called: PARKINSON DISEASE 9, AUTOSOMAL RECESSIVE, JUVENILE-ONSET. Identifiers: Orphanet 306674, Orphanet 314632, MedGen C1847640, MONDO:0011706, OMIM 606693.
Autosomal recessive spastic paraplegia type 78. Identifiers: Orphanet 513436, MedGen C5567893, MONDO:0014975, OMIM 617225.

Allele frequency attached by ClinVar (database versions not stated): gnomAD exomes 0.00005 and 0.00014; gnomAD 0.00011 and 0.00014; ExAC 0.00012; TOPMed 0.00017.
gnomAD v4.1: 99 of 1,614,104 alleles (0.0061%); highest among the groups gnomAD compares: Admixed American, 0.022%; no homozygotes.

Submissions (3):

Labcorp Genetics (formerly Invitae), Labcorp
Classification: Likely benign for Kufor-Rakeb syndrome; Autosomal recessive spastic paraplegia type 78. Last evaluated: 2026-01-13. Review status: criteria provided, single submitter. Criteria: Invitae Variant Classification Sherloc (09022015). Collection method: clinical testing. Allele origin: germline.

CeGaT Center for Human Genetics Tuebingen
Classification: Likely benign. Last evaluated: 2025-04-01. Review status: criteria provided, single submitter. Criteria: CeGaT Center For Human Genetics Tuebingen Variant Classification Criteria Version 2. Collection method: clinical testing. Allele origin: germline. Affected: yes. Observed: 2 variant alleles.
Comment: ATP13A2: BP4, BP7

Illumina Laboratory Services, Illumina
Classification: Uncertain significance for Kufor-Rakeb syndrome. Last evaluated: 2018-01-12. Review status: criteria provided, single submitter. Criteria: ICSL Variant Classification Criteria 13 December 2019. Collection method: clinical testing. Allele origin: germline.

NM_022089.4(ATP13A2):c.1449C>T (p.Tyr483=)

Gene: ATP13A2 (ATPase cation transporting 13A2; minus strand). Cytogenetic location: 1p36.13.
Variant type: single nucleotide variant.
Coding change: c.1449C>T on transcript NM_022089.4 (MANE Select); coding-DNA position 1449, C replaced by T.
Protein change: p.Tyr483=; no amino-acid change (tyrosine 483 retained).
Molecular consequence: synonymous variant.
Genome position (GRCh38, 1-based): chr1:16,996,069, G>A on the plus strand (C>T on the coding strand, the complement: ATP13A2 is on the minus strand). VCF-style: chr1-16996069-G-A. GRCh37 (hg19) VCF-style: chr1-17322564-G-A.
Other names: c.1434C>T, p.Tyr478= (NM_001141973.3, NM_001141974.3).
Identifiers: ClinVar variation 293789 (VCV000293789.38), dbSNP rs750600448, ClinGen allele CA637203.